The following is an entry in ClinVar:

NM_001039591.3(USP9X):c.7607C>T (p.Ala2536Val)

Gene: USP9X (ubiquitin specific peptidase 9 X-linked; plus strand). Cytogenetic location: Xp11.4.
Variant type: single nucleotide variant.
Coding change: c.7607C>T on transcript NM_001039591.3 (MANE Select); coding-DNA position 7607, C replaced by T.
Protein change: p.Ala2536Val; replaces alanine 2536 with valine.
Molecular consequence: missense variant.
Genome position (GRCh38, 1-based): chrX:41,232,466, C>T. VCF-style: chrX-41232466-C-T. GRCh37 (hg19) VCF-style: chrX-41091719-C-T.
Other names: c.7655C>T, p.Ala2552Val (NM_001039590.3); c.7670C>T, p.Ala2557Val (NM_001410748.1); c.7622C>T, p.Ala2541Val (NM_001410749.1); short protein forms A2541V, A2557V, A2536V, A2552V.
Identifiers: ClinVar variation 2065700 (VCV002065700.28), dbSNP rs371820302, ClinGen allele CA10389256.

ClinVar aggregate classification (germline): Likely benign. Review status: criteria provided, multiple submitters, no conflicts (2 of 4 stars). 2 submissions from 2 submitters: Likely benign (2). Last evaluated 2024-06-06.

Allele frequency attached by ClinVar (database versions not stated): gnomAD exomes 0.00005; gnomAD 0.00006; TOPMed 0.00008; ESP Exome Variant Server 0.00009; ExAC 0.00013.
gnomAD v4.1: 70 of 1,209,387 alleles (0.0058%); highest among the groups gnomAD compares: Admixed American, 0.015%; no homozygotes.

Submissions (2):

Labcorp Genetics (formerly Invitae), Labcorp
Classification: Likely benign. Last evaluated: 2024-06-06. Review status: criteria provided, single submitter. Criteria: Invitae Variant Classification Sherloc (09022015). Collection method: clinical testing. Allele origin: germline.

CeGaT Center for Human Genetics Tuebingen
Classification: Likely benign. Last evaluated: 2023-03-01. Review status: criteria provided, single submitter. Criteria: CeGaT Center For Human Genetics Tuebingen Variant Classification Criteria Version 2. Collection method: clinical testing. Allele origin: germline. Affected: yes. Observed: 1 variant allele.
Comment: USP9X: BS2